The following is an entry in ClinVar:

ClinVar aggregate classification (germline): Uncertain significance (1 of 4 stars; one submission).

Conditions:
Hereditary cancer-predisposing syndrome. Also called: Tumor predisposition; Hereditary neoplastic syndrome; Neoplastic Syndromes, Hereditary; Hereditary Cancer Syndrome. Identifiers: Orphanet 140162, MedGen C0027672, MeSH D009386, MONDO:0015356.

Allele frequency attached by ClinVar (database versions not stated): gnomAD exomes below 0.00001 and 0.00001; gnomAD 0.00001; TOPMed 0.00001.
gnomAD v4.1: 3 of 1,613,498 alleles (0.00019%); highest among the groups gnomAD compares: Non-Finnish European, 0.00025%; no homozygotes.

Submission:

Ambry Genetics
Classification: Uncertain significance for Hereditary cancer-predisposing syndrome. Last evaluated: 2025-06-06. Review status: criteria provided, single submitter. Criteria: Ambry Variant Classification Scheme 2023. Collection method: clinical testing. Allele origin: germline.
Comment: The p.H356Y variant (also known as c.1066C>T), located in coding exon 9 of the MRE11A gene, results from a C to T substitution at nucleotide position 1066. The histidine at codon 356 is replaced by tyrosine, an amino acid with similar properties. This amino acid position is poorly conserved in available vertebrate species. In addition, this alteration is predicted to be tolerated by in silico analysis. Since supporting evidence is limited at this time, the clinical significance of this alteration remains unclear.

NM_005591.4(MRE11):c.1066C>T (p.His356Tyr)

Gene: MRE11 (MRE11 double strand break repair nuclease; minus strand). Cytogenetic location: 11q21.
Variant type: single nucleotide variant.
Coding change: c.1066C>T on transcript NM_005591.4 (MANE Select); coding-DNA position 1066, C replaced by T.
Protein change: p.His356Tyr; replaces histidine 356 with tyrosine.
Molecular consequence: missense variant.
Genome position (GRCh38, 1-based): chr11:94,467,845, G>A on the plus strand (C>T on the coding strand, the complement: MRE11 is on the minus strand). VCF-style: chr11-94467845-G-A. GRCh37 (hg19) VCF-style: chr11-94201011-G-A.
Other names: c.1066C>T, p.His356Tyr (NM_001330347.2, NM_005590.4); short protein forms H356Y.
Identifiers: ClinVar variation 818329 (VCV000818329.5), dbSNP rs939694506, ClinGen allele CA226531040.